The following is an entry in ClinVar:

NM_001972.4(ELANE):c.695T>G (p.Phe232Cys)

Gene: ELANE (elastase, neutrophil expressed; plus strand). Cytogenetic location: 19p13.3.
Variant type: single nucleotide variant.
Coding change: c.695T>G on transcript NM_001972.4 (MANE Select); coding-DNA position 695, T replaced by G.
Protein change: p.Phe232Cys; replaces phenylalanine 232 with cysteine.
Molecular consequence: missense variant.
Genome position (GRCh38, 1-based): chr19:856,055, T>G. VCF-style: chr19-856055-T-G. GRCh37 (hg19) VCF-style: chr19-856055-T-G.
Other names: short protein forms F232C.
Identifiers: ClinVar variation 4783764 (VCV004783764.1).
Genomic context (GRCh38, chr19:856,055, plus strand): 5'-TCCACGGAATTGCCTCCTTCGTCCGGGGAGGCTGCGCCTCAGGGCTCTACCCCGATGCCT[T>G]TGCCCCGGTGGCACAGTTTGTAAACTGGATCGACTCTATCATCCAACGCTCCGAGGACAA-3'
Protein context (NP_001963.1, residues 222-242): GCASGLYPDA[Phe232Cys]APVAQFVNWI

ClinVar aggregate classification (germline): Uncertain significance (1 of 4 stars; one submission).

Conditions:
Neutropenia, severe congenital, 1, autosomal dominant. Identifiers: MedGen C1859966, MONDO:0042490, OMIM 202700.
Cyclical neutropenia. Also called: Cyclic Neutropenia; Cyclic hematopoiesis. Identifiers: Orphanet 2686, MedGen C0221023, MONDO:0008090, OMIM 162800, HP:0040289. Disease mechanism: loss of function.

Submission:

Labcorp Genetics (formerly Invitae), Labcorp
Classification: Uncertain significance for Neutropenia, severe congenital, 1, autosomal dominant; Cyclical neutropenia. Last evaluated: 2025-11-25. Review status: criteria provided, single submitter. Criteria: Invitae Variant Classification Sherloc (09022015). Collection method: clinical testing. Allele origin: germline.
Comment: This sequence change replaces phenylalanine, which is neutral and non-polar, with cysteine, which is neutral and slightly polar, at codon 232 of the ELANE protein (p.Phe232Cys). This variant is not present in population databases (gnomAD no frequency). This variant has not been reported in the literature in individuals affected with ELANE-related conditions. Invitae Evidence Modeling of protein sequence and biophysical properties (such as structural, functional, and spatial information, amino acid conservation, physicochemical variation, residue mobility, and thermodynamic stability) indicates that this missense variant is expected to disrupt ELANE protein function with a positive predictive value of 95%. In summary, the available evidence is currently insufficient to determine the role of this variant in disease. Therefore, it has been classified as a Variant of Uncertain Significance.